The following is an entry in ClinVar:

ClinVar aggregate classification (germline): Uncertain significance (1 of 4 stars; one submission).

Conditions:
Fanconi anemia (FA). Also called: Fanconi's anemia. Identifiers: Orphanet 84, MedGen C0015625, MeSH D005199, MONDO:0019391.

Submission:

Labcorp Genetics (formerly Invitae), Labcorp
Classification: Uncertain significance for Fanconi anemia. Last evaluated: 2022-08-23. Review status: criteria provided, single submitter. Criteria: Invitae Variant Classification Sherloc (09022015). Collection method: clinical testing. Allele origin: germline.
Comment: This sequence change replaces glutamine, which is neutral and polar, with arginine, which is basic and polar, at codon 1067 of the SLX4 protein (p.Gln1067Arg). This variant is not present in population databases (gnomAD no frequency). This variant has not been reported in the literature in individuals affected with SLX4-related conditions. ClinVar contains an entry for this variant (Variation ID: 1020261). Algorithms developed to predict the effect of missense changes on protein structure and function output the following: SIFT: "Tolerated"; PolyPhen-2: "Benign"; Align-GVGD: "Class C0". The arginine amino acid residue is found in multiple mammalian species, which suggests that this missense change does not adversely affect protein function. In summary, the available evidence is currently insufficient to determine the role of this variant in disease. Therefore, it has been classified as a Variant of Uncertain Significance.

NM_032444.4(SLX4):c.3200A>G (p.Gln1067Arg)

Gene: SLX4 (SLX4 structure-specific endonuclease subunit; minus strand). Cytogenetic location: 16p13.3.
Variant type: single nucleotide variant.
Coding change: c.3200A>G on transcript NM_032444.4 (MANE Select); coding-DNA position 3200, A replaced by G.
Protein change: p.Gln1067Arg; replaces glutamine 1067 with arginine.
Molecular consequence: missense variant.
Genome position (GRCh38, 1-based): chr16:3,590,438, T>C on the plus strand (A>G on the coding strand, the complement: SLX4 is on the minus strand). VCF-style: chr16-3590438-T-C. GRCh37 (hg19) VCF-style: chr16-3640439-T-C.
Other names: short protein forms Q1067R.
Identifiers: ClinVar variation 1020261 (VCV001020261.8), dbSNP rs2040570986, ClinGen allele CA394521521.
Genomic context (GRCh38, chr16:3,590,438, plus strand): 5'-CTCCTGTCCCTTTTCTGCTTTGATGGCACAGCTGGAGACAGCAAGGTTGGGGAGCCCACC[T>C]GGGAAGTTCCGCCACGGGACCGGGGTGTTGACAGGGACGACCCACTTGTGTGATGAGACC-3'
Protein context (NP_115820.2, residues 1057-1077): STPRSRGGTS[Gln1067Arg]VGSPTLLSPA